The following is an entry in ClinVar:

NM_018129.4(PNPO):c.62A>T (p.Tyr21Phe)

Gene: PNPO (pyridoxamine 5'-phosphate oxidase; plus strand). Cytogenetic location: 17q21.32.
Variant type: single nucleotide variant.
Coding change: c.62A>T on transcript NM_018129.4 (MANE Select); coding-DNA position 62, A replaced by T.
Protein change: p.Tyr21Phe; replaces tyrosine 21 with phenylalanine.
Molecular consequence: missense variant.
Genome position (GRCh38, 1-based): chr17:47,941,737, A>T. VCF-style: chr17-47941737-A-T. GRCh37 (hg19) VCF-style: chr17-46019103-A-T.
Other names: short protein forms Y21F.
Identifiers: ClinVar variation 837538 (VCV000837538.9), dbSNP rs766650337, ClinGen allele CA400054863.

ClinVar aggregate classification (germline): Uncertain significance (1 of 4 stars; one submission).

Conditions:
Pyridoxal phosphate-responsive seizures (PNPOD). Also called: Pyridoxamine 5-Prime-Phosphate Oxidase Deficiency; Pyridoxine-5'-phosphate oxidase deficiency; Pyridoxal 5'-Phosphate (PLP)-Dependent Epilepsy; EPILEPTIC ENCEPHALOPATHY, NEONATAL, PNPO-RELATED; SEIZURES, PYRIDOXINE-RESISTANT, PLP-SENSITIVE. Identifiers: Orphanet 79096, MedGen C1864723, MONDO:0012407, OMIM 610090. Disease mechanism: loss of function.

Allele frequency attached by ClinVar (database versions not stated): gnomAD exomes 0.00001.
gnomAD v4.1: 7 of 1,553,498 alleles (0.00045%); highest among the groups gnomAD compares: Non-Finnish European, 0.00061%; no homozygotes.

Submission:

Labcorp Genetics (formerly Invitae), Labcorp
Classification: Uncertain significance for Pyridoxal phosphate-responsive seizures. Last evaluated: 2020-12-05. Review status: criteria provided, single submitter. Criteria: Invitae Variant Classification Sherloc (09022015). Collection method: clinical testing. Allele origin: germline.
Comment: This variant is not present in population databases (ExAC no frequency). This sequence change replaces tyrosine with phenylalanine at codon 21 of the PNPO protein (p.Tyr21Phe). The tyrosine residue is weakly conserved and there is a small physicochemical difference between tyrosine and phenylalanine. This variant has not been reported in the literature in individuals with PNPO-related conditions. In summary, the available evidence is currently insufficient to determine the role of this variant in disease. Therefore, it has been classified as a Variant of Uncertain Significance. Algorithms developed to predict the effect of missense changes on protein structure and function (SIFT, PolyPhen-2, Align-GVGD) all suggest that this variant is likely to be tolerated, but these predictions have not been confirmed by published functional studies and their clinical significance is uncertain.